The following is an entry in ClinVar:

NM_000214.3(JAG1):c.182C>T (p.Pro61Leu)

Gene: JAG1 (jagged canonical Notch ligand 1; minus strand). Cytogenetic location: 20p12.2.
Variant type: single nucleotide variant.
Coding change: c.182C>T on transcript NM_000214.3 (MANE Select); coding-DNA position 182, C replaced by T.
Protein change: p.Pro61Leu; replaces proline 61 with leucine.
Molecular consequence: missense variant.
Genome position (GRCh38, 1-based): chr20:10,672,906, G>A on the plus strand (C>T on the coding strand, the complement: JAG1 is on the minus strand). VCF-style: chr20-10672906-G-A. GRCh37 (hg19) VCF-style: chr20-10653554-G-A.
Other names: short protein forms P61L.
Identifiers: ClinVar variation 1780921 (VCV001780921.6), dbSNP rs199603948, ClinGen allele CA9765201.

ClinVar aggregate classification (germline): Conflicting classifications of pathogenicity. Review status: criteria provided, conflicting classifications (1 of 4 stars). 2 submissions from 2 submitters: Uncertain significance (1); Likely benign (1). Last evaluated 2025-06-13.

Conditions:
Cardiovascular phenotype. Identifiers: MedGen CN230736.
Alagille syndrome due to a JAG1 point mutation. Also called: JAG1-Related Alagille Syndrome; HEPATIC DUCTULAR HYPOPLASIA, SYNDROMATIC; Alagille Syndrome 1. Identifiers: Orphanet 261619, Orphanet 52, MedGen C1956125, MONDO:0016862, OMIM 118450.

Allele frequency attached by ClinVar (database versions not stated): ExAC 0.00001; TOPMed 0.00001.
gnomAD v4.1: 5 of 1,613,058 alleles (0.00031%); highest among the groups gnomAD compares: East Asian, 0.0067%; no homozygotes.

Submissions (2):

Ambry Genetics
Classification: Uncertain significance for Cardiovascular phenotype. Last evaluated: 2025-06-13. Review status: criteria provided, single submitter. Criteria: Ambry Variant Classification Scheme 2023. Collection method: clinical testing. Allele origin: germline.
Comment: The c.182C>T (p.P61L) alteration is located in exon 2 (coding exon 2) of the JAG1 gene. This alteration results from a C to T substitution at nucleotide position 182, causing the proline (P) at amino acid position 61 to be replaced by a leucine (L). Based on data from gnomAD, the T allele has an overall frequency of 0.001% (2/281370) total alleles studied. The highest observed frequency was 0.01% (2/19932) of East Asian alleles. This amino acid position is well conserved in available vertebrate species. This alteration is predicted to be tolerated by in silico analysis. Based on insufficient or conflicting evidence, the clinical significance of this alteration remains unclear.

Labcorp Genetics (formerly Invitae), Labcorp
Classification: Likely benign for Alagille syndrome due to a JAG1 point mutation. Last evaluated: 2023-11-17. Review status: criteria provided, single submitter. Criteria: Invitae Variant Classification Sherloc (09022015). Collection method: clinical testing. Allele origin: germline.